The following is an entry in ClinVar:

ClinVar aggregate classification (germline): Uncertain significance (1 of 4 stars; one submission).

Conditions:
Congenital myasthenic syndrome 10. Also called: Myasthenia, limb-girdle, familial. Identifiers: Orphanet 590, MedGen C1850792, MONDO:0009690, OMIM 254300.
Fetal akinesia deformation sequence 1 (FADS1). Also called: Fetal akinesia sequence; Pena-Shokeir syndrome type I. Identifiers: Orphanet 994, MedGen C1276035, MONDO:0100101, OMIM 208150, HP:0001989.

Submission:

Labcorp Genetics (formerly Invitae), Labcorp
Classification: Uncertain significance for Congenital myasthenic syndrome 10; Fetal akinesia deformation sequence 1. Last evaluated: 2021-08-30. Review status: criteria provided, single submitter. Criteria: Invitae Variant Classification Sherloc (09022015). Collection method: clinical testing. Allele origin: germline.
Comment: In summary, the available evidence is currently insufficient to determine the role of this variant in disease. Therefore, it has been classified as a Variant of Uncertain Significance. This variant has not been reported in the literature in individuals affected with DOK7-related conditions. This variant results in a copy number gain of the genomic region encompassing exon(s) 1-2 of the DOK7 gene. This region includes the initiator codon of the gene. This copy number gain extends beyond the assayed region for this gene and therefore may encompass additional genes. As the precise location of this event is unknown, it may be in tandem or it may be located elsewhere in the genome.

NC_000004.11:g.(?_3465103)_(3465298_?)dup

Gene: DOK7 (docking protein 7; plus strand). Cytogenetic location: 4p16.3.
Variant type: Duplication.
Identifiers: ClinVar variation 1440691 (VCV001440691.6).